The following is an entry in ClinVar:

ClinVar aggregate classification (germline): Uncertain significance (1 of 4 stars; one submission).

Allele frequency attached by ClinVar (database versions not stated): gnomAD exomes 0.00001; TOPMed 0.00004.
gnomAD v4.1: 3 of 1,613,670 alleles (0.00019%); highest among the groups gnomAD compares: African/African-American, 0.0027%; no homozygotes.

Submission:

Labcorp Genetics (formerly Invitae), Labcorp
Classification: Uncertain significance. Last evaluated: 2023-07-26. Review status: criteria provided, single submitter. Criteria: Invitae Variant Classification Sherloc (09022015). Collection method: clinical testing. Allele origin: germline.
Comment: In summary, the available evidence is currently insufficient to determine the role of this variant in disease. Therefore, it has been classified as a Variant of Uncertain Significance. Advanced modeling of protein sequence and biophysical properties (such as structural, functional, and spatial information, amino acid conservation, physicochemical variation, residue mobility, and thermodynamic stability) has been performed at Invitae for this missense variant, however the output from this modeling did not meet the statistical confidence thresholds required to predict the impact of this variant on ABL1 protein function. This variant has not been reported in the literature in individuals affected with ABL1-related conditions. This variant is not present in population databases (gnomAD no frequency). This sequence change replaces glutamic acid, which is acidic and polar, with glutamine, which is neutral and polar, at codon 1039 of the ABL1 protein (p.Glu1039Gln).

NM_005157.6(ABL1):c.3058G>C (p.Glu1020Gln)

Gene: ABL1 (ABL proto-oncogene 1, non-receptor tyrosine kinase; plus strand). Cytogenetic location: 9q34.12.
Variant type: single nucleotide variant.
Coding change: c.3058G>C on transcript NM_005157.6 (MANE Select); coding-DNA position 3058, G replaced by C.
Protein change: p.Glu1020Gln; replaces glutamic acid 1020 with glutamine.
Molecular consequence: missense variant.
Genome position (GRCh38, 1-based): chr9:130,885,348, G>C. VCF-style: chr9-130885348-G-C. GRCh37 (hg19) VCF-style: chr9-133760735-G-C.
Other names: c.3115G>C, p.Glu1039Gln (NM_007313.3); short protein forms E1020Q, E1039Q.
Identifiers: ClinVar variation 2869741 (VCV002869741.3), dbSNP rs201683427, ClinGen allele CA200652570.
Genomic context (GRCh38, chr9:130,885,348, plus strand): 5'-ACCGCCTTCATCCCTCTCATATCAACCCGAGTGTCTCTTCGGAAAACCCGCCAGCCTCCA[G>C]AGCGGATCGCCAGCGGCGCCATCACCAAGGGCGTGGTCCTGGACAGCACCGAGGCGCTGT-3'
Protein context (NP_005148.2, residues 1010-1030): VSLRKTRQPP[Glu1020Gln]RIASGAITKG